The following is an entry in ClinVar:

NM_000059.4(BRCA2):c.6553G>C (p.Ala2185Pro)

Gene: BRCA2 (BRCA2 DNA repair associated; plus strand). Cytogenetic location: 13q13.1.
Variant type: single nucleotide variant.
Coding change: c.6553G>C on transcript NM_000059.4 (MANE Select); coding-DNA position 6553, G replaced by C.
Protein change: p.Ala2185Pro; replaces alanine 2185 with proline.
Molecular consequence: missense variant.
Genome position (GRCh38, 1-based): chr13:32,340,908, G>C. VCF-style: chr13-32340908-G-C. GRCh37 (hg19) VCF-style: chr13-32915045-G-C.
Other names: short protein forms A2185P.
Identifiers: ClinVar variation 479314 (VCV000479314.35), dbSNP rs746070652, ClinGen allele CA387789803.

ClinVar aggregate classification (germline): Conflicting classifications of pathogenicity. Review status: criteria provided, conflicting classifications (1 of 4 stars). 9 submissions from 9 submitters: Uncertain significance (8); Likely benign (1). Last evaluated 2025-10-10.

Conditions:
Hereditary breast ovarian cancer syndrome. Also called: Hereditary breast and ovarian cancer syndrome (HBOC); Hereditary breast and ovarian cancer syndrome; Breast and ovarian cancer; BRCA1- and BRCA2-Associated Hereditary Breast and Ovarian Cancer; Hereditary breast and ovarian cancer; Hereditary breast and/or ovarian cancer syndrome. Identifiers: Orphanet 145, MedGen C0677776, MeSH D061325, MONDO:0003582. Disease mechanism: loss of function.
Pancreatic cancer, susceptibility to, 2. Identifiers: Orphanet 1333, MedGen C3150546, MONDO:0013235, OMIM 613347.
Hereditary cancer-predisposing syndrome. Also called: Neoplastic Syndromes, Hereditary; Hereditary Cancer Syndrome; Hereditary neoplastic syndrome; Tumor predisposition. Identifiers: Orphanet 140162, MedGen C0027672, MeSH D009386, MONDO:0015356.

Allele frequency attached by ClinVar (database versions not stated): TOPMed below 0.00001.
gnomAD v4.1: 1 of 1,609,924 alleles (0.000062%); highest among the groups gnomAD compares: Admixed American, 0.0017%; no homozygotes.

Submissions (9):

Ambry Genetics
Classification: Uncertain significance for Hereditary cancer-predisposing syndrome. Last evaluated: 2025-10-10. Review status: criteria provided, single submitter. Criteria: Ambry Variant Classification Scheme 2023. Collection method: clinical testing. Allele origin: germline.
Comment: The p.A2185P variant (also known as c.6553G>C), located in coding exon 10 of the BRCA2 gene, results from a G to C substitution at nucleotide position 6553. The alanine at codon 2185 is replaced by proline, an amino acid with highly similar properties. This amino acid position is poorly conserved in available vertebrate species. In addition, this alteration is predicted to be tolerated by in silico analysis. Since supporting evidence is limited at this time, the clinical significance of this alteration remains unclear.

Quest Diagnostics Nichols Institute San Juan Capistrano
Classification: Uncertain significance. Last evaluated: 2025-01-31. Review status: criteria provided, single submitter. Criteria: Quest Diagnostics criteria. Collection method: clinical testing. Allele origin: unknown.
Comment: The BRCA2 c.6553G>C (p.Ala2185Pro) variant has been reported in the published literature in a family affected with a BRCA2-related disease (PMID: 31853058 (2020)). This variant has also been identified in a reportedly healthy individual in a large-scale breast cancer association study (PMID: 33471991 (2021), see also LOVD). This variant has not been reported in large, multi-ethnic general populations (Genome Aggregation Database). Analysis of this variant using bioinformatics tools for the prediction of the effect of amino acid changes on protein structure and function yielded predictions that this variant is benign. Based on the available information, we are unable to determine the clinical significance of this variant.

Labcorp Genetics (formerly Invitae), Labcorp
Classification: Uncertain significance for Hereditary breast ovarian cancer syndrome. Last evaluated: 2025-01-13. Review status: criteria provided, single submitter. Criteria: Invitae Variant Classification Sherloc (09022015). Collection method: clinical testing. Allele origin: germline.
Comment: This sequence change replaces alanine, which is neutral and non-polar, with proline, which is neutral and non-polar, at codon 2185 of the BRCA2 protein (p.Ala2185Pro). This variant is not present in population databases (gnomAD no frequency). This missense change has been observed in individual(s) with adult medulloblastomas (PMID: 33172502). ClinVar contains an entry for this variant (Variation ID: 479314). Invitae Evidence Modeling of protein sequence and biophysical properties (such as structural, functional, and spatial information, amino acid conservation, physicochemical variation, residue mobility, and thermodynamic stability) indicates that this missense variant is not expected to disrupt BRCA2 protein function with a negative predictive value of 95%. In summary, the available evidence is currently insufficient to determine the role of this variant in disease. Therefore, it has been classified as a Variant of Uncertain Significance.

University of Washington Department of Laboratory Medicine, University of Washington
Classification: Likely benign for Hereditary cancer-predisposing syndrome. Last evaluated: 2023-03-23. Review status: criteria provided, single submitter. Criteria: Dines et al. (Genet Med. 2020). Collection method: curation. Allele origin: germline.
Comment: Missense variant in a coldspot region where missense variants are very unlikely to be pathogenic (PMID:31911673).

BRCA2 exon 11 coldspot. Reclassification based on statistical prior probability.

Women's Health and Genetics/Laboratory Corporation of America, LabCorp
Classification: Uncertain significance. Last evaluated: 2023-01-03. Review status: criteria provided, single submitter. Criteria: LabCorp Variant Classification Summary - May 2015. Collection method: clinical testing. Allele origin: germline.
Comment: Variant summary: BRCA2 c.6553G>C (p.Ala2185Pro) results in a non-conservative amino acid change in the encoded protein sequence. Three of four in-silico tools predict a benign effect of the variant on protein function. The variant was absent in 246856 control chromosomes (gnomAD). The available data on variant occurrences in the general population are insufficient to allow any conclusion about variant significance. To our knowledge, no occurrence of c.6553G>C in individuals affected with Hereditary Breast And Ovarian Cancer Syndrome and no experimental evidence demonstrating its impact on protein function have been reported. Six ClinVar submitters (evaluation after 2014) cite this variant as uncertain significance. Based on the evidence outlined above, the variant was classified as uncertain significance.

Department of Pathology and Laboratory Medicine, Sinai Health System
Classification: Uncertain significance for Pancreatic cancer, susceptibility to, 2. Last evaluated: 2022-05-16. Review status: criteria provided, single submitter. Criteria: ACMG Guidelines, 2015. Collection method: clinical testing. Allele origin: germline. Affected: yes.

Genetic Services Laboratory, University of Chicago
Classification: Uncertain significance. Last evaluated: 2021-01-04. Review status: criteria provided, single submitter. Criteria: ACMG Guidelines, 2015. Collection method: clinical testing. Allele origin: germline. Affected: no.
Comment: DNA sequence analysis of the BRCA2 gene demonstrated a sequence change, c.6553G>C, in exon 11 that results in an amino acid change, p.Ala2185Pro. This sequence change does not appear to have been previously described in individuals with BRCA2-related disorders and has also not been described as a known benign sequence change in the BRCA2 gene. The p.Ala2185Pro change affects a poorly conserved amino acid residue located in a domain of the BRCA2 protein that is known to be functional. The p.Ala2185Pro substitution appears to be benign using several in-silico pathogenicity prediction tools (SIFT, PolyPhen2, Align GVGD, REVEL). Due to these contrasting evidences and the lack of functional studies, the clinical significance of the p.Ala2185Pro change remains unknown at this time.

GeneDx
Classification: Uncertain significance. Last evaluated: 2019-06-18. Review status: criteria provided, single submitter. Criteria: GeneDx Variant Classification Process June 2021. Collection method: clinical testing. Allele origin: germline. Affected: yes.
Comment: Not observed in large population cohorts (Lek et al., 2016); In silico analysis, which includes protein predictors and evolutionary conservation, supports that this variant does not alter protein structure/function; Has not been previously published as pathogenic or benign to our knowledge; Also known as 6781G>C

Color Diagnostics, LLC DBA Color Health
Classification: Uncertain significance for Hereditary cancer-predisposing syndrome. Last evaluated: 2019-05-31. Review status: criteria provided, single submitter. Criteria: ACMG Guidelines, 2015. Collection method: clinical testing. Allele origin: germline.

Literature cited by the submitters: PubMed 35585550 (cited by Quest Diagnostics Nichols Institute San Juan Capistrano); PubMed 31853058 (cited by Quest Diagnostics Nichols Institute San Juan Capistrano); PubMed 33471991 (cited by Quest Diagnostics Nichols Institute San Juan Capistrano); PubMed 33172502 (cited by Labcorp Genetics (formerly Invitae), Labcorp and Women's Health and Genetics/Laboratory Corporation of America, LabCorp).